The following is an entry in ClinVar:

ClinVar aggregate classification (germline): Uncertain significance (1 of 4 stars; one submission).

Conditions:
BAP1-related tumor predisposition syndrome (TPDS1). Also called: TUMOR PREDISPOSITION SYNDROME 1; BAP1 tumor predisposition syndrome; COMMON Syndrome; Tumor susceptibility linked to germline BAP1 mutations. Identifiers: Orphanet 289539, MedGen C3280492, MONDO:0013692, OMIM 614327.

Submission:

Labcorp Genetics (formerly Invitae), Labcorp
Classification: Uncertain significance for BAP1-related tumor predisposition syndrome. Last evaluated: 2019-02-17. Review status: criteria provided, single submitter. Criteria: Invitae Variant Classification Sherloc (09022015). Collection method: clinical testing. Allele origin: germline.
Comment: In summary, the available evidence is currently insufficient to determine the role of this variant in disease. Therefore, it has been classified as a Variant of Uncertain Significance. Experimental studies and prediction algorithms are not available for this variant, and the functional significance of the affected amino acid(s) is currently unknown. This variant has not been reported in the literature in individuals with BAP1-related conditions. This variant is not present in population databases (ExAC no frequency). This variant, c.1998_2000del, results in the deletion of 1 amino acid(s) of the BAP1 protein (p.Arg667del), but otherwise preserves the integrity of the reading frame.

NM_004656.4(BAP1):c.1998_2000del (p.Arg667del)

Gene: BAP1 (BRCA1 associated deubiquitinase 1; minus strand). Cytogenetic location: 3p21.1.
Variant type: Deletion.
Coding change: c.1998_2000del on transcript NM_004656.4 (MANE Select); coding-DNA positions 1998 to 2000, 3 bases deleted (AAG; older notation c.1998_2000delAAG).
Protein change: p.Arg667del; deletes arginine 667.
Molecular consequence: inframe deletion.
Genome position (GRCh38, 1-based): chr3:52,402,658-52,402,660, CTT deleted on the plus strand (AAG on the coding strand, the reverse complement: BAP1 is on the minus strand); deleting any 3 consecutive bases within chr3:52,402,658-52,402,662 gives the same sequence; the c. name uses the placement nearest the transcript's 3' end. VCF-style (leftmost placement, unchanged base first): chr3-52402657-CCTT-C. GRCh37 (hg19) VCF-style: chr3-52436673-CCTT-C.
Other names: short protein forms R667del.
Identifiers: ClinVar variation 860552 (VCV000860552.7), dbSNP rs1705000204, ClinGen allele CA916081433.